The following is an entry in ClinVar:

NM_015512.5(DNAH1):c.1528A>G (p.Ile510Val)

Gene: DNAH1 (dynein axonemal heavy chain 1; plus strand). Cytogenetic location: 3p21.1.
Variant type: single nucleotide variant.
Coding change: c.1528A>G on transcript NM_015512.5 (MANE Select); coding-DNA position 1528, A replaced by G.
Protein change: p.Ile510Val; replaces isoleucine 510 with valine.
Molecular consequence: missense variant.
Genome position (GRCh38, 1-based): chr3:52,345,578, A>G. VCF-style: chr3-52345578-A-G. GRCh37 (hg19) VCF-style: chr3-52379594-A-G.
Other names: short protein forms I510V.
Identifiers: ClinVar variation 478414 (VCV000478414.5), dbSNP rs1425420501, ClinGen allele CA353090466.

ClinVar aggregate classification (germline): Uncertain significance (1 of 4 stars; one submission).

Conditions:
Spermatogenic failure 18. Identifiers: MedGen C4539783, MONDO:0054615, OMIM 617576.
Ciliary dyskinesia, primary, 37 (CILD37). Also called: CILIARY DYSKINESIA, PRIMARY, 37, WITH OR WITHOUT SITUS INVERSUS. Identifiers: MedGen C4539798, MONDO:0033204, OMIM 617577.

Allele frequency attached by ClinVar (database versions not stated): gnomAD exomes below 0.00001 and 0.00001; TOPMed below 0.00001; gnomAD 0.00001.
gnomAD v4.1: 9 of 1,601,712 alleles (0.00056%); highest among the groups gnomAD compares: Non-Finnish European, 0.00077%; no homozygotes.

Submission:

Labcorp Genetics (formerly Invitae), Labcorp
Classification: Uncertain significance for Ciliary dyskinesia, primary, 37; Spermatogenic failure 18. Last evaluated: 2017-05-16. Review status: criteria provided, single submitter. Criteria: Invitae Variant Classification Sherloc (09022015). Collection method: clinical testing. Allele origin: germline.
Comment: In summary, this variant is a novel missense change that is not predicted to affect protein function. There is no indication that it causes disease, but the available evidence is currently insufficient to prove that conclusively. Therefore, it has been classified as a Variant of Uncertain Significance. Algorithms developed to predict the effect of missense changes on protein structure and function (SIFT, PolyPhen-2, Align-GVGD) all suggest that this variant is likely to be tolerated, but these predictions have not been confirmed by published functional studies. This variant is not present in population databases (ExAC no frequency) and has not been reported in the literature in individuals with a DNAH1-related disease. This sequence change replaces isoleucine with valine at codon 510 of the DNAH1 protein (p.Ile510Val). The isoleucine residue is moderately conserved and there is a small physicochemical difference between isoleucine and valine.